The following is an entry in ClinVar:

NM_005546.4(ITK):c.913del (p.Tyr305fs)

Gene: ITK (IL2 inducible T cell kinase; plus strand). Cytogenetic location: 5q33.3.
Variant type: Deletion.
Coding change: c.913del on transcript NM_005546.4 (MANE Select); coding-DNA position 913, one base deleted (T; older notation c.913delT).
Protein change: p.Tyr305fs; shifts the reading frame from tyrosine 305.
Molecular consequence: frameshift variant.
Genome position (GRCh38, 1-based): chr5:157,240,123, T deleted. VCF-style (leftmost placement, unchanged base first): chr5-157240122-AT-A. GRCh37 (hg19) VCF-style: chr5-156667132-AT-A.
Other names: c.913delT (NM_005546.3); short protein forms Y305fs.
Identifiers: ClinVar variation 521210 (VCV000521210.5), dbSNP rs1554102738, ClinGen allele CA658796666.

ClinVar aggregate classification (germline): Pathogenic (1 of 4 stars; one submission).

Conditions:
Inborn genetic diseases. Identifiers: MedGen C0950123, MeSH D030342.

Submission:

Ambry Genetics
Classification: Pathogenic for Inborn genetic diseases. Last evaluated: 2026-07-09. Review status: criteria provided, single submitter. Criteria: Ambry Variant Classification Scheme 2023. Collection method: clinical testing. Allele origin: germline.
Comment: The c.913delT (p.Y305Tfs*27) alteration, located in exon 10 (coding exon 10) of the ITK gene, consists of a deletion of one nucleotide at position 913, causing a translational frameshift with a predicted alternate stop codon after 27 amino acids. This variant is expected to result in loss of function by premature protein truncation or nonsense-mediated mRNA decay. This variant was not reported in population-based cohorts in the Genome Aggregation Database (gnomAD). Based on the available evidence, this alteration is classified as pathogenic.